The following is an entry in ClinVar:

ClinVar aggregate classification (germline): Uncertain significance (1 of 4 stars; one submission).

Allele frequency attached by ClinVar (database versions not stated): gnomAD exomes below 0.00001.
gnomAD v4.1: 3 of 1,613,828 alleles (0.00019%); highest among the groups gnomAD compares: Non-Finnish European, 0.00025%; no homozygotes.

Submission:

GeneDx
Classification: Uncertain significance. Last evaluated: 2023-02-06. Review status: criteria provided, single submitter. Criteria: GeneDx Variant Classification Process June 2021. Collection method: clinical testing. Allele origin: germline.
Comment: Not observed at significant frequency in large population cohorts (gnomAD); In silico analysis supports that this missense variant does not alter protein structure/function; Has not been previously published as pathogenic or benign to our knowledge

NM_015335.5(MED13L):c.3173G>A (p.Arg1058Lys)

Gene: MED13L (mediator complex subunit 13L; minus strand). Cytogenetic location: 12q24.21.
Variant type: single nucleotide variant.
Coding change: c.3173G>A on transcript NM_015335.5 (MANE Select); coding-DNA position 3173, G replaced by A.
Protein change: p.Arg1058Lys; replaces arginine 1058 with lysine.
Molecular consequence: missense variant.
Genome position (GRCh38, 1-based): chr12:115,991,781, C>T on the plus strand (G>A on the coding strand, the complement: MED13L is on the minus strand). VCF-style: chr12-115991781-C-T. GRCh37 (hg19) VCF-style: chr12-116429586-C-T.
Other names: short protein forms R1058K.
Identifiers: ClinVar variation 1712842 (VCV001712842.3), dbSNP rs2499857830, ClinGen allele CA386888823.
Genomic context (GRCh38, chr12:115,991,781, plus strand): 5'-TCGGTGCTATCATACTTAACAGACCCTTGACCACTGGCAGTGCCCCCACCTCTGGGAGTT[C>T]TTGGGGTCCTGGGGGTTCGTGGTGTGGGGACAGAGAAGCGAGGGGTTGCTGGAGATGGTA-3'
Protein context (NP_056150.1, residues 1048-1068): VPTPRTPRTP[Arg1058Lys]TPRGGGTASG